The following is an entry in ClinVar:

NM_015681.6(B9D1):c.26T>G (p.Phe9Cys)

Genes: B9D1 (B9 domain containing 1; minus strand), LOC130060455 (ATAC-STARR-seq lymphoblastoid silent region 8288; plus strand). Cytogenetic location: 17p11.2.
Variant type: single nucleotide variant.
Coding change: c.26T>G on transcript NM_015681.6 (MANE Select); coding-DNA position 26, T replaced by G.
Protein change: p.Phe9Cys; replaces phenylalanine 9 with cysteine.
Molecular consequence: missense variant. On other transcripts: intron variant (1).
Genome position (GRCh38, 1-based): chr17:19,362,544, A>C on the plus strand (T>G on the coding strand, the complement: B9D1 is on the minus strand). VCF-style: chr17-19362544-A-C. GRCh37 (hg19) VCF-style: chr17-19265857-A-C.
Other names: c.26T>G, p.Phe9Cys (NM_001321214.2, NM_001321215.3, NM_001321216.2 and 4 more transcripts); c.-297-2156T>G (NM_001368769.2); short protein forms F9C.
Identifiers: ClinVar variation 1962920 (VCV001962920.5), dbSNP rs1184352870, ClinGen allele CA398699929.

ClinVar aggregate classification (germline): Uncertain significance (1 of 4 stars; one submission).

Conditions:
Joubert syndrome. Also called: CEREBELLOPARENCHYMAL DISORDER IV; JOUBERT-BOLTSHAUSER SYNDROME; Familial aplasia of the vermis. Identifiers: Orphanet 475, MedGen C5979921, MONDO:0018772.
Meckel-Gruber syndrome. Also called: DYSENCEPHALIA SPLANCHNOCYSTICA; GRUBER SYNDROME; Dysencephalia splachnocystica. Identifiers: Orphanet 564, MedGen C0265215, MONDO:0018921.

Allele frequency attached by ClinVar (database versions not stated): gnomAD exomes below 0.00001; TOPMed below 0.00001; gnomAD 0.00001.
gnomAD v4.1: 2 of 1,589,008 alleles (0.00013%); highest among the groups gnomAD compares: African/African-American, 0.0013%; no homozygotes.

Submission:

Labcorp Genetics (formerly Invitae), Labcorp
Classification: Uncertain significance for Joubert syndrome; Meckel-Gruber syndrome. Last evaluated: 2022-07-19. Review status: criteria provided, single submitter. Criteria: Invitae Variant Classification Sherloc (09022015). Collection method: clinical testing. Allele origin: germline.
Comment: This variant is present in population databases (no rsID available, gnomAD 0.01%). In summary, the available evidence is currently insufficient to determine the role of this variant in disease. Therefore, it has been classified as a Variant of Uncertain Significance. Algorithms developed to predict the effect of missense changes on protein structure and function (SIFT, PolyPhen-2, Align-GVGD) all suggest that this variant is likely to be disruptive. This variant has not been reported in the literature in individuals affected with B9D1-related conditions. This sequence change replaces phenylalanine, which is neutral and non-polar, with cysteine, which is neutral and slightly polar, at codon 9 of the B9D1 protein (p.Phe9Cys).